The following is an entry in ClinVar:

ClinVar aggregate classification (germline): Pathogenic/Likely pathogenic. Review status: criteria provided, multiple submitters, no conflicts (2 of 4 stars). 3 submissions from 3 submitters: Pathogenic (2); Likely pathogenic (1). Last evaluated 2024-09-06.

Conditions:
Familial thoracic aortic aneurysm and aortic dissection (TAAD). Also called: Thoracic aortic aneurysms and dissections. Identifiers: Orphanet 91387, MedGen C4707243, MONDO:0019625.
Loeys-Dietz syndrome 4 (LDS4). Also called: ANEURYSM, AORTIC AND CEREBRAL, WITH ARTERIAL TORTUOSITY AND SKELETAL MANIFESTATIONS; TGFB2-Related Loeys-Dietz Syndrome. Identifiers: MedGen C3553762, MONDO:0013897, OMIM 614816.

Submissions (3):

Centre of Medical Genetics, University of Antwerp
Classification: Pathogenic for Familial thoracic aortic aneurysm and aortic dissection. Last evaluated: 2024-09-06. Review status: criteria provided, single submitter. Criteria: ACMG Guidelines, 2015. Collection method: clinical testing. Allele origin: germline. Affected: yes.
Comment: P(PVS1; PM2; PP5)

MGZ Medical Genetics Center
Classification: Likely pathogenic for Loeys-Dietz syndrome 4. Last evaluated: 2021-09-07. Review status: criteria provided, single submitter. Criteria: ACMG Guidelines, 2015. Collection method: clinical testing. Allele origin: germline. Affected: yes. Observed: 1 variant allele.
Comment: ACMG criteria applied: PVS1, PM2_SUP

Labcorp Genetics (formerly Invitae), Labcorp
Classification: Pathogenic for Loeys-Dietz syndrome 4. Last evaluated: 2020-08-25. Review status: criteria provided, single submitter. Criteria: Invitae Variant Classification Sherloc (09022015). Collection method: clinical testing. Allele origin: germline.
Comment: This sequence change creates a premature translational stop signal (p.Glu92*) in the TGFB2 gene. It is expected to result in an absent or disrupted protein product. This variant is not present in population databases (ExAC no frequency). This variant has been observed in individual(s) with Loeys-Dietz syndrome (PMID: 29392890). Loss-of-function variants in TGFB2 are known to be pathogenic (PMID: 22772368, 22772371). For these reasons, this variant has been classified as Pathogenic.

Literature cited by the submitters: PubMed 29392890 (cited by Labcorp Genetics (formerly Invitae), Labcorp); PubMed 22772368 (cited by Labcorp Genetics (formerly Invitae), Labcorp); PubMed 22772371 (cited by Labcorp Genetics (formerly Invitae), Labcorp).

NM_003238.6(TGFB2):c.274G>T (p.Glu92Ter)

Gene: TGFB2 (transforming growth factor beta 2; plus strand). Cytogenetic location: 1q41.
Variant type: single nucleotide variant.
Coding change: c.274G>T on transcript NM_003238.6 (MANE Select); coding-DNA position 274, G replaced by T.
Protein change: p.Glu92Ter; replaces glutamic acid 92 with a stop codon.
Molecular consequence: nonsense. On other transcripts: non-coding transcript variant (2).
Genome position (GRCh38, 1-based): chr1:218,346,975, G>T. VCF-style: chr1-218346975-G-T. GRCh37 (hg19) VCF-style: chr1-218520317-G-T.
Other names: c.274G>T, p.Glu92Ter (NM_001135599.4); short protein forms E92*.
Identifiers: ClinVar variation 1075660 (VCV001075660.14), dbSNP rs1656706610, ClinGen allele CA344725669.